The following is an entry in ClinVar:

ClinVar aggregate classification (germline): Uncertain significance (1 of 4 stars; one submission).

Allele frequency attached by ClinVar (database versions not stated): gnomAD exomes below 0.00001.
gnomAD v4.1: 1 of 1,613,944 alleles (0.000062%); highest among the groups gnomAD compares: Non-Finnish European, 0.000085%; no homozygotes.

Submission:

Labcorp Genetics (formerly Invitae), Labcorp
Classification: Uncertain significance. Last evaluated: 2019-09-11. Review status: criteria provided, single submitter. Criteria: Invitae Variant Classification Sherloc (09022015). Collection method: clinical testing. Allele origin: germline.
Comment: In summary, the available evidence is currently insufficient to determine the role of this variant in disease. Therefore, it has been classified as a Variant of Uncertain Significance. Algorithms developed to predict the effect of missense changes on protein structure and function (SIFT, PolyPhen-2, Align-GVGD) all suggest that this variant is likely to be tolerated, but these predictions have not been confirmed by published functional studies and their clinical significance is uncertain. This variant has not been reported in the literature in individuals with PRPF3-related conditions. This variant is not present in population databases (ExAC no frequency). This sequence change replaces valine with methionine at codon 245 of the PRPF3 protein (p.Val245Met). The valine residue is moderately conserved and there is a small physicochemical difference between valine and methionine.

NM_004698.4(PRPF3):c.733G>A (p.Val245Met)

Gene: PRPF3 (pre-mRNA processing factor 3; plus strand). Cytogenetic location: 1q21.2.
Variant type: single nucleotide variant.
Coding change: c.733G>A on transcript NM_004698.4 (MANE Select); coding-DNA position 733, G replaced by A.
Protein change: p.Val245Met; replaces valine 245 with methionine.
Molecular consequence: missense variant. On other transcripts: non-coding transcript variant (4).
Genome position (GRCh38, 1-based): chr1:150,334,939, G>A. VCF-style: chr1-150334939-G-A. GRCh37 (hg19) VCF-style: chr1-150307410-G-A.
Other names: c.328G>A, p.Val110Met (NM_001350529.1); short protein forms V110M, V245M.
Identifiers: ClinVar variation 954475 (VCV000954475.9), dbSNP rs1656810771, ClinGen allele CA342293670.
Genomic context (GRCh38, chr1:150,334,939, plus strand): 5'-TTTTGCTTGCCTTAATGTTCCATACAGGATTTATTTCTTTGCGGGCTATTTTTCAGGAAG[G>A]TGGAGTTAAAAGACCAAACGAAACCTACACCACTGATCCTGGATGAGCAAGGGCGCACTG-3'
Protein context (NP_004689.1, residues 235-255): LHAMGIAPPK[Val245Met]ELKDQTKPTP